The following is an entry in ClinVar:

NM_000246.4(CIITA):c.3311C>T (p.Thr1104Met)

Gene: CIITA (class II major histocompatibility complex transactivator; plus strand). Cytogenetic location: 16p13.13.
Variant type: single nucleotide variant.
Coding change: c.3311C>T on transcript NM_000246.4 (MANE Select); coding-DNA position 3311, C replaced by T.
Protein change: p.Thr1104Met; replaces threonine 1104 with methionine.
Molecular consequence: missense variant. On other transcripts: non-coding transcript variant (1).
Genome position (GRCh38, 1-based): chr16:10,922,484, C>T. VCF-style: chr16-10922484-C-T. GRCh37 (hg19) VCF-style: chr16-11016341-C-T.
Other names: c.3314C>T, p.Thr1105Met (NM_001286402.1, NM_001379332.1); c.1559C>T, p.Thr520Met (NM_001286403.2); c.3167C>T, p.Thr1056Met (NM_001379330.1); c.3164C>T, p.Thr1055Met (NM_001379331.1); c.3311C>T, p.Thr1104Met (NM_001379333.1); c.3242C>T, p.Thr1081Met (NM_001379334.1); short protein forms T1104M, T520M, T1105M, T1055M, T1056M, T1081M.
Identifiers: ClinVar variation 582878 (VCV000582878.10), dbSNP rs367805896, ClinGen allele CA7900769.
Genomic context (GRCh38, chr16:10,922,484, plus strand): 5'-TCACGGCTGCCGGGGCCCAGCAGCTCGCTGCCAGCCTTCGGAGGTGTCCTCATGTGGAGA[C>T]GCTGGCGTAAGTCCAGGCAACCCTGGTGGGTGGAGAACAACTCACTCCCCAGGCGTGTGG-3'
Protein context (NP_000237.2, residues 1094-1114): ASLRRCPHVE[Thr1104Met]LAMWTPTIPF

ClinVar aggregate classification (germline): Uncertain significance. Review status: criteria provided, single submitter (1 of 4 stars). 2 submissions from 2 submitters: Uncertain significance (1). 1 of the submissions does not count toward it. Last evaluated 2022-08-23.

Conditions:
MHC class II deficiency. Also called: Bare lymphocyte syndrome 2; BLS, TYPE II. Identifiers: Orphanet 572, MedGen C5447452, MONDO:0008855.

Allele frequency attached by ClinVar (database versions not stated): gnomAD 0.00001; gnomAD exomes 0.00001; ExAC 0.00002; TOPMed 0.00005; ESP Exome Variant Server 0.00008.
gnomAD v4.1: 18 of 1,613,886 alleles (0.0011%); highest among the groups gnomAD compares: African/African-American, 0.008%; no homozygotes.

Submissions (2):

Labcorp Genetics (formerly Invitae), Labcorp
Classification: Uncertain significance for MHC class II deficiency. Last evaluated: 2022-08-23. Review status: criteria provided, single submitter. Criteria: Invitae Variant Classification Sherloc (09022015). Collection method: clinical testing. Allele origin: germline.
Comment: This sequence change replaces threonine, which is neutral and polar, with methionine, which is neutral and non-polar, at codon 1104 of the CIITA protein (p.Thr1104Met). This variant is present in population databases (rs367805896, gnomAD 0.008%). This variant has not been reported in the literature in individuals affected with CIITA-related conditions. ClinVar contains an entry for this variant (Variation ID: 582878). Algorithms developed to predict the effect of missense changes on protein structure and function are either unavailable or do not agree on the potential impact of this missense change (SIFT: "Deleterious"; PolyPhen-2: "Probably Damaging"; Align-GVGD: "Class C0"). In summary, the available evidence is currently insufficient to determine the role of this variant in disease. Therefore, it has been classified as a Variant of Uncertain Significance.

Natera, Inc.
Classification: Uncertain significance for Bare lymphocyte syndrome type II. Last evaluated: 2019-10-28. Review status: no assertion criteria provided. Collection method: clinical testing. Allele origin: germline. Not counted in ClinVar's aggregate classification.